The following is an entry in ClinVar:

NM_000360.4(TH):c.90+7dup

Gene: TH (tyrosine hydroxylase; minus strand). Cytogenetic location: 11p15.5.
Variant type: Duplication.
Coding change: c.90+7dup on transcript NM_000360.4 (MANE Select); 7 bases into the intron after coding-DNA position 90, one base duplicated (G; older notation c.90+7dupG).
Molecular consequence: intron variant. On other transcripts: frameshift variant (1).
Genome position (GRCh38, 1-based): chr11:2,171,688, C duplicated on the plus strand (G on the coding strand, the reverse complement: TH is on the minus strand); the first of 3 consecutive C bases (chr11:2,171,688-2,171,690); duplicating any one gives the same sequence. VCF-style (leftmost placement, unchanged base first): chr11-2171687-G-GC. GRCh37 (hg19) VCF-style: chr11-2192917-G-GC.
Other names: c.99dup, p.Gln34fs (NM_199292.3); c.90+7dup (NM_199293.3); c.99dupG (NM_199292.3, NM_199292.2); short protein forms Q34fs.
Identifiers: ClinVar variation 555224 (VCV000555224.18), dbSNP rs780485650, ClinGen allele CA5818863.

ClinVar aggregate classification (germline): Pathogenic/Likely pathogenic. Review status: criteria provided, multiple submitters, no conflicts (2 of 4 stars). 9 submissions from 9 submitters: Pathogenic (2); Likely pathogenic (6). 1 of the submissions does not count toward it. Last evaluated 2025-12-17.

Conditions:
TH-related disorders.
TH-deficient dopa-responsive dystonia. Also called: Segawa syndrome, autosomal recessive; Tyrosine Hydroxylase-Deficient Dopa-Responsive Dystonia; DYT-TH. Identifiers: Orphanet 101150, MedGen C2673535, MONDO:0011551, OMIM 605407.

Submissions (9):

Natera, Inc.
Classification: Likely pathogenic for Autosomal recessive Segawa syndrome. Last evaluated: 2025-12-17. Review status: criteria provided, single submitter. Criteria: Natera Variant Classification Schema (03/2026). Collection method: clinical testing. Allele origin: germline.
Comment: The c.99dupG variant in TH is a frameshift variant predicted to shift the reading frame beginning at codon 34 and leads to a stop codon 72 codons downstream. This variant is expected to result in nonsense mediated decay, truncation, or a dysfunctional protein product. This variant is rare in the general population with a frequency below the threshold expected for the associated phenotype(s). Given the available evidence, this variant is classified as Likely Pathogenic.

Labcorp Genetics (formerly Invitae), Labcorp
Classification: Pathogenic for TH-deficient dopa-responsive dystonia. Last evaluated: 2025-09-14. Review status: criteria provided, single submitter. Criteria: Invitae Variant Classification Sherloc (09022015). Collection method: clinical testing. Allele origin: germline.
Comment: This sequence change creates a premature translational stop signal (p.Gln34Alafs*72) in the TH gene. It is expected to result in an absent or disrupted protein product. Loss-of-function variants in TH are known to be pathogenic (PMID: 22264700, 24753243). This variant is present in population databases (rs780485650, gnomAD 0.009%). This variant has not been reported in the literature in individuals affected with TH-related conditions. ClinVar contains an entry for this variant (Variation ID: 555224). For these reasons, this variant has been classified as Pathogenic.

Fulgent Genetics
Classification: Likely pathogenic for TH-deficient dopa-responsive dystonia. Last evaluated: 2024-06-10. Review status: criteria provided, single submitter. Criteria: ACMG Guidelines, 2015. Collection method: clinical testing. Allele origin: germline.

Baylor Genetics
Classification: Likely pathogenic for TH-deficient dopa-responsive dystonia. Last evaluated: 2024-03-14. Review status: criteria provided, single submitter. Criteria: ACMG Guidelines, 2015. Collection method: clinical testing. Allele origin: unknown.

Greenwood Genetic Center Diagnostic Laboratories, Greenwood Genetic Center
Classification: Likely pathogenic for TH-deficient dopa-responsive dystonia. Last evaluated: 2024-01-12. Review status: criteria provided, single submitter. Criteria: ACMG Guidelines, 2015. Collection method: clinical testing. Allele origin: germline. Affected: yes.
Comment: PVS1, PM2

Blueprint Genetics
Classification: Likely pathogenic for TH-related disorders. Last evaluated: 2023-01-20. Review status: criteria provided, single submitter. Criteria: ACMG Guidelines, 2015. Collection method: clinical testing. Allele origin: germline. Affected: yes. Observed: 3 variant alleles.

Women's Health and Genetics/Laboratory Corporation of America, LabCorp
Classification: Likely pathogenic for TH-deficient dopa-responsive dystonia. Last evaluated: 2020-12-16. Review status: criteria provided, single submitter. Criteria: LabCorp Variant Classification Summary - May 2015. Collection method: clinical testing. Allele origin: germline.
Comment: Variant summary: TH c.99dupG (p.Gln34AlafsX72; NM_199292.2) results in a premature termination codon, predicted to cause a truncation of the encoded protein or absence of the protein due to nonsense mediated decay, which are commonly known mechanisms for disease. This variant is also known as c.90+9dupG under transcripts NM_000360.3 and NM_199293.2. The variant allele was found at a frequency of 2.4e-05 in 247938 control chromosomes (gnomAD). To our knowledge, no occurrence of c.99dupG in individuals affected with Segawa Syndrome, Autosomal Recessive and no experimental evidence demonstrating its impact on protein function have been reported. One ClinVar submitter (evaluation after 2014) cites the variant as pathogenic while another ClinVar submitter (evaluation after 2014) cites it as uncertain significance. Based on the evidence outlined above, the variant was classified as likely pathogenic.

Kariminejad - Najmabadi Pathology & Genetics Center
Classification: Pathogenic for TH-deficient dopa-responsive dystonia. Review status: criteria provided, single submitter. Criteria: ACMG Guidelines, 2015. Collection method: clinical testing. Allele origin: germline. Affected: no.

Counsyl
Classification: Uncertain significance for TH-deficient dopa-responsive dystonia. Last evaluated: 2017-11-29. Review status: no assertion criteria provided. Collection method: clinical testing. Allele origin: unknown. Not counted in ClinVar's aggregate classification.

Literature cited by the submitters: PubMed 22264700 (cited by Labcorp Genetics (formerly Invitae), Labcorp); PubMed 24753243 (cited by Labcorp Genetics (formerly Invitae), Labcorp).